The following is an entry in ClinVar:

NM_002206.3(ITGA7):c.2932C>T (p.Arg978Cys)

Gene: ITGA7 (integrin subunit alpha 7; minus strand). Cytogenetic location: 12q13.2.
Variant type: single nucleotide variant.
Coding change: c.2932C>T on transcript NM_002206.3 (MANE Select); coding-DNA position 2932, C replaced by T.
Protein change: p.Arg978Cys; replaces arginine 978 with cysteine.
Molecular consequence: missense variant.
Genome position (GRCh38, 1-based): chr12:55,688,870, G>A on the plus strand (C>T on the coding strand, the complement: ITGA7 is on the minus strand). VCF-style: chr12-55688870-G-A. GRCh37 (hg19) VCF-style: chr12-56082654-G-A.
Other names: c.2944C>T, p.Arg982Cys (NM_001144996.2); c.2653C>T, p.Arg885Cys (NM_001144997.2); c.2605C>T, p.Arg869Cys (NM_001367993.1); c.1588C>T, p.Arg530Cys (NM_001367994.1); c.2914C>T, p.Arg972Cys (NM_001374465.1); c.3064C>T, p.Arg1022Cys (NM_001410977.1); c.2926C>T, p.Arg976Cys (NM_001414029.1); c.2857C>T, p.Arg953Cys (NM_001414030.1); and 5 more; short protein forms R978C, R885C, R869C, R530C, R982C, R1022C, R972C, R903C.
Identifiers: ClinVar variation 577007 (VCV000577007.5), dbSNP rs147664595, ClinGen allele CA6615409.

ClinVar aggregate classification (germline): Uncertain significance (1 of 4 stars; one submission).

Conditions:
Congenital muscular dystrophy due to integrin alpha-7 deficiency. Also called: MYOPATHY, CONGENITAL, DUE TO INTEGRIN ALPHA-7 DEFICIENCY; Congenital muscular dystrophy with integrin alpha-7 deficiency; Muscular dystrophy, congenital, due to ITGA7 deficiency. Identifiers: Orphanet 34520, MedGen C2750786, MONDO:0013177, OMIM 613204.

Allele frequency attached by ClinVar (database versions not stated): ExAC 0.00002; gnomAD exomes 0.00002 and 0.00003; gnomAD 0.00004; TOPMed 0.00006; ESP Exome Variant Server 0.00023.
gnomAD v4.1: 35 of 1,613,990 alleles (0.0022%); highest among the groups gnomAD compares: Middle Eastern, 0.016%; no homozygotes.

Submission:

Labcorp Genetics (formerly Invitae), Labcorp
Classification: Uncertain significance for Congenital muscular dystrophy due to integrin alpha-7 deficiency. Last evaluated: 2024-01-08. Review status: criteria provided, single submitter. Criteria: Invitae Variant Classification Sherloc (09022015). Collection method: clinical testing. Allele origin: germline.
Comment: This sequence change replaces arginine, which is basic and polar, with cysteine, which is neutral and slightly polar, at codon 978 of the ITGA7 protein (p.Arg978Cys). This variant is present in population databases (rs147664595, gnomAD 0.01%). This variant has not been reported in the literature in individuals affected with ITGA7-related conditions. ClinVar contains an entry for this variant (Variation ID: 577007). Advanced modeling of protein sequence and biophysical properties (such as structural, functional, and spatial information, amino acid conservation, physicochemical variation, residue mobility, and thermodynamic stability) performed at Invitae indicates that this missense variant is expected to disrupt ITGA7 protein function with a positive predictive value of 80%. In summary, the available evidence is currently insufficient to determine the role of this variant in disease. Therefore, it has been classified as a Variant of Uncertain Significance.